The following is an entry in ClinVar:

NM_000135.4(FANCA):c.2005C>A (p.Gln669Lys)

Gene: FANCA (FA complementation group A; minus strand). Cytogenetic location: 16q24.3.
Variant type: single nucleotide variant.
Coding change: c.2005C>A on transcript NM_000135.4 (MANE Select); coding-DNA position 2005, C replaced by A.
Protein change: p.Gln669Lys; replaces glutamine 669 with lysine.
Molecular consequence: missense variant.
Genome position (GRCh38, 1-based): chr16:89,773,280, G>T on the plus strand (C>A on the coding strand, the complement: FANCA is on the minus strand). VCF-style: chr16-89773280-G-T. GRCh37 (hg19) VCF-style: chr16-89839688-G-T.
Other names: c.2005C>A, p.Gln669Lys (NM_001286167.3); short protein forms Q669K.
Identifiers: ClinVar variation 4254135 (VCV004254135.1).

ClinVar aggregate classification (germline): Uncertain significance (1 of 4 stars; one submission).

Conditions:
Inborn genetic diseases. Identifiers: MedGen C0950123, MeSH D030342.

Submission:

Ambry Genetics
Classification: Uncertain significance for Inborn genetic diseases. Last evaluated: 2025-06-19. Review status: criteria provided, single submitter. Criteria: Ambry Variant Classification Scheme 2023. Collection method: clinical testing. Allele origin: germline.
Comment: The p.Q669K variant (also known as c.2005C>A), located in coding exon 22 of the FANCA gene, results from a C to A substitution at nucleotide position 2005. The glutamine at codon 669 is replaced by lysine, an amino acid with similar properties. This amino acid position is conserved. In addition, this alteration is predicted to be tolerated by in silico analysis. Based on the available evidence, the clinical significance of this variant remains unclear.